The following is an entry in ClinVar:

ClinVar aggregate classification (germline): Pathogenic (1 of 4 stars; one submission).

Conditions:
Osteogenesis imperfecta type 8 (OI8). Identifiers: MedGen C1970458, MONDO:0012581, OMIM 610915.

Submission:

Labcorp Genetics (formerly Invitae), Labcorp
Classification: Pathogenic for Osteogenesis imperfecta type 8. Last evaluated: 2023-09-17. Review status: criteria provided, single submitter. Criteria: Invitae Variant Classification Sherloc (09022015). Collection method: clinical testing. Allele origin: germline.
Comment: For these reasons, this variant has been classified as Pathogenic. Algorithms developed to predict the effect of sequence changes on RNA splicing suggest that this variant may disrupt the consensus splice site. This variant has not been reported in the literature in individuals affected with P3H1-related conditions. This variant is not present in population databases (gnomAD no frequency). This sequence change creates a premature translational stop signal (p.Asp391Glnfs*4) in the P3H1 gene. It is expected to result in an absent or disrupted protein product. Loss-of-function variants in P3H1 are known to be pathogenic (PMID: 17277775, 18566967, 19088120, 22281939).

Literature cited by the submitters: PubMed 17277775; PubMed 18566967; PubMed 19088120; PubMed 22281939.

NM_022356.4(P3H1):c.1171_1183del (p.Asp391fs)

Gene: P3H1 (prolyl 3-hydroxylase 1; minus strand). Cytogenetic location: 1p34.2.
Variant type: Deletion.
Coding change: c.1171_1183del on transcript NM_022356.4 (MANE Select); coding-DNA positions 1171 to 1183, 13 bases deleted (GATTCATGGACTC).
Protein change: p.Asp391fs; shifts the reading frame from aspartic acid 391.
Molecular consequence: frameshift variant.
Genome position (GRCh38, 1-based): chr1:42,755,205-42,755,217, GAGTCCATGAATC deleted on the plus strand (GATTCATGGACTC on the coding strand, the reverse complement: P3H1 is on the minus strand). VCF-style (leftmost placement, unchanged base first): chr1-42755204-GGAGTCCATGAATC-G. GRCh37 (hg19) VCF-style: chr1-43220875-GGAGTCCATGAATC-G.
Other names: c.1171_1183del, p.Asp391fs (NM_001146289.2, NM_001243246.2); short protein forms D391fs.
Identifiers: ClinVar variation 2761087 (VCV002761087.3), dbSNP rs2524452544, ClinGen allele CA2697552349.